The following is an entry in ClinVar:

NM_001370100.5(ZMYND11):c.503G>T (p.Arg168Leu)

Gene: ZMYND11 (zinc finger MYND-type containing 11; plus strand). Cytogenetic location: 10p15.3.
Variant type: single nucleotide variant.
Coding change: c.503G>T on transcript NM_001370100.5 (MANE Select); coding-DNA position 503, G replaced by T.
Protein change: p.Arg168Leu; replaces arginine 168 with leucine.
Molecular consequence: missense variant. On other transcripts: non-coding transcript variant (1).
Genome position (GRCh38, 1-based): chr10:236,902, G>T. VCF-style: chr10-236902-G-T. GRCh37 (hg19) VCF-style: chr10-282842-G-T.
Other names: c.341G>T, p.Arg114Leu (NM_001202464.3, NM_001202465.3, NM_001202466.3 and 11 more transcripts); c.503G>T, p.Arg168Leu (NM_001202468.1, NM_001370097.3, NM_001370098.2 and 10 more transcripts); c.452G>T, p.Arg151Leu (NM_001330057.3, NM_001370112.2); c.437G>T, p.Arg146Leu (NM_001370116.2); c.383G>T, p.Arg128Leu (NM_001370118.2); c.275G>T, p.Arg92Leu (NM_001370120.2); c.221G>T, p.Arg74Leu (NM_001370121.2); c.290G>T, p.Arg97Leu (NM_001370123.2); and 1 more; short protein forms R114L, R11L, R128L, R146L, R151L, R168L, R74L, R92L.
Identifiers: ClinVar variation 3766392 (VCV003766392.1).

ClinVar aggregate classification (germline): Uncertain significance (1 of 4 stars; one submission).

Submission:

GeneDx
Classification: Uncertain significance. Last evaluated: 2024-08-27. Review status: criteria provided, single submitter. Criteria: GeneDx Variant Classification Process June 2021. Collection method: clinical testing. Allele origin: germline. Affected: yes.
Comment: Not observed at significant frequency in large population cohorts (gnomAD); In silico analysis supports that this missense variant has a deleterious effect on protein structure/function; Has not been previously published as pathogenic or benign to our knowledge